The following is an entry in ClinVar:

NM_003235.5(TG):c.8117A>G (p.Asn2706Ser)

Gene: TG (thyroglobulin; plus strand). Cytogenetic location: 8q24.22.
Variant type: single nucleotide variant.
Coding change: c.8117A>G on transcript NM_003235.5 (MANE Select); coding-DNA position 8117, A replaced by G.
Protein change: p.Asn2706Ser; replaces asparagine 2706 with serine.
Molecular consequence: missense variant.
Genome position (GRCh38, 1-based): chr8:133,133,589, A>G. VCF-style: chr8-133133589-A-G. GRCh37 (hg19) VCF-style: chr8-134145833-A-G.
Other names: short protein forms N2706S.
Identifiers: ClinVar variation 4848866 (VCV004848866.1).

ClinVar aggregate classification (germline): Uncertain significance (1 of 4 stars; one submission).

gnomAD v4.1: 268 of 1,614,192 alleles (0.017%); highest among the groups gnomAD compares: Middle Eastern, 0.41%; no homozygotes.

Submission:

Women's Health and Genetics/Laboratory Corporation of America, LabCorp
Classification: Uncertain significance. Last evaluated: 2026-04-06. Review status: criteria provided, single submitter. Criteria: LabCorp Variant Classification Summary - May 2015. Collection method: clinical testing. Allele origin: germline.
Comment: Variant summary: TG c.8117A>G (p.Asn2706Ser) results in a conservative amino acid change located in the Carboxylesterase, type B domain (IPR002018) of the encoded protein sequence. Algorithms developed to predict the effect of missense changes on protein structure and function all suggest that this variant is likely to be tolerated. The variant allele was found at a frequency of 0.00017 in 1614192 control chromosomes (gnomAD). The variant was reported with highest allele frequency in the Middle Eastern subpopulation (0.0041), suggesting that the variant might be benign. To our knowledge, no occurrence of c.8117A>G in individuals affected with TG-related conditions and no experimental evidence demonstrating its impact on protein function have been reported. No submitters have cited clinical-significance assessments for this variant to ClinVar. Based on the evidence outlined above, the variant was classified as VUS-possibly benign.